The following is an entry in ClinVar:

ClinVar aggregate classification (germline): Conflicting classifications of pathogenicity. Review status: criteria provided, conflicting classifications (1 of 4 stars). 10 submissions from 10 submitters: Pathogenic (6); Likely pathogenic (2); Uncertain significance (1). 1 of the submissions does not count toward it. Last evaluated 2026-06-26.

Conditions:
Myopathy, epilepsy, and progressive cerebral atrophy. Identifiers: MedGen C5436652, MONDO:0033619, OMIM 619036.
ALG14-related disorder. Also called: ALG14-related condition.
Congenital myasthenic syndrome 15. Also called: Myasthenic syndrome, congenital, 15, without tubular aggregates. Identifiers: Orphanet 353327, Orphanet 590, MedGen C4015596, MONDO:0014542, OMIM 616227.
Congenital myopathy. Identifiers: Orphanet 97245, MedGen C0270960, MONDO:0019952.

Allele frequency attached by ClinVar (database versions not stated): gnomAD 0.00011 and 0.00012; TOPMed 0.00013; gnomAD exomes 0.00016 and 0.00025; ExAC 0.00017.
gnomAD v4.1: 369 of 1,613,706 alleles (0.023%); highest among the groups gnomAD compares: Non-Finnish European, 0.029%; no homozygotes.

Submissions (10):

PreventionGenetics, part of Exact Sciences
Classification: Likely pathogenic for ALG14-related condition. Last evaluated: 2026-06-26. Review status: criteria provided, single submitter. Criteria: ACMG Guidelines, 2015. Collection method: clinical testing. Allele origin: germline.
Comment: The ALG14 c.220G>A variant is predicted to result in the amino acid substitution p.Asp74Asn. This variant has been reported in the homozygous or compound heterozygous state in individuals with ALG14-related disorders and segregated with disease in multiple families (see, for example, Schorling et al. 2017. PubMed ID: 28733338; Table S8, Kingsmore et al. 2022. PubMed ID: 36007526; Table S1, Feraudy et al. 2024. PubMed ID: 38982518). In vitro experimental studies indicate this variant reduces GnTase activity (Wang et al. 2022. PubMed ID: 36200043). This variant is reported in 0.028% of alleles in individuals of European (non-Finnish) descent in gnomAD. This variant is interpreted as likely pathogenic.

Labcorp Genetics (formerly Invitae), Labcorp
Classification: Pathogenic for Congenital myasthenic syndrome 15. Last evaluated: 2026-01-19. Review status: criteria provided, single submitter. Criteria: Invitae Variant Classification Sherloc (09022015). Collection method: clinical testing. Allele origin: germline.
Comment: This sequence change replaces aspartic acid, which is acidic and polar, with asparagine, which is neutral and polar, at codon 74 of the ALG14 protein (p.Asp74Asn). This variant is present in population databases (rs769114543, gnomAD 0.03%). This missense change has been observed in individuals with severe neurodegeneration with myopathic and myasthenic features (PMID: 28733338). It has also been observed to segregate with disease in related individuals. ClinVar contains an entry for this variant (Variation ID: 389968). An algorithm developed to predict the effect of missense changes on protein structure and function (PolyPhen-2) suggests that this variant is likely to be disruptive. For these reasons, this variant has been classified as Pathogenic.

Dasa
Classification: Pathogenic. Last evaluated: 2025-09-21. Review status: criteria provided, single submitter. Criteria: DASA Assertion Criteria. Collection method: clinical testing. Allele origin: germline.
Comment: NM_144988.4(ALG14):c.220G>A (p.Asp74Asn) is a missense variant that results in the substitution of aspartic acid with asparagine. This variant has been observed in affected individuals with related phenotype in a genotype context consistent with recessive disease (PMID: 28733338; PMID: 36200043). Functional evidence supports a deleterious effect on the gene or gene product (PMID: 28733338; PMID: 36200043). This variant has been recurrently observed in individuals with related phenotype (PMID: 28733338; PMID: 36200043). Multiple computational predictions support a deleterious effect on the gene or gene product. The variant is present at low frequency in population datasets. Based on the available data, this variant is classified as pathogenic.

GeneDx
Classification: Pathogenic. Last evaluated: 2025-07-10. Review status: criteria provided, single submitter. Criteria: GeneDx Variant Classification Process June 2021. Collection method: clinical testing. Allele origin: germline. Affected: yes.
Comment: Published functional studies suggest this variant is associated with reduced enzyme activity (PMID: 36200043); In silico analysis supports that this missense variant has a deleterious effect on protein structure/function; This variant is associated with the following publications: (PMID: 34971077, 33751823, 37432431, 36200043, 28733338, 36007526, 38982518)

Revvity Omics, Revvity
Classification: Uncertain significance. Last evaluated: 2025-06-09. Review status: criteria provided, single submitter. Criteria: ACMG Guidelines, 2015. Collection method: clinical testing. Allele origin: germline.

Centre of Medical Genetics, University Hospital Muenster
Classification: Pathogenic. Last evaluated: 2024-06-27. Review status: criteria provided, single submitter. Criteria: ACMG Guidelines, 2015. Collection method: clinical testing. Allele origin: unknown. Affected: yes. Observed: 1 variant allele, 1 heterozygote.
Comment: ACMG categories: PS3,PS4,PP3

Muscle and Diseases Team, Institut de Génétique et Biologie Moléculaire et Cellulaire
Classification: Pathogenic for Congenital myopathy. Last evaluated: 2024-03-01. Review status: criteria provided, single submitter. Criteria: ACMG Guidelines, 2015. Collection method: research. Allele origin: paternal. Affected: yes. Observed: 1 variant allele.
Comment: PS1+PM2+PM3+PP3+PP5

SIB Swiss Institute of Bioinformatics
Classification: Likely pathogenic for Myopathy, epilepsy, and progressive cerebral atrophy. Last evaluated: 2021-04-13. Review status: criteria provided, single submitter. Criteria: ACMG Guidelines, 2015. Collection method: curation. Allele origin: unknown.
Comment: This variant is interpreted as likely pathogenic for Myopathy, epilepsy, and progressive cerebral atrophy, autosomal recessive. The following ACMG Tag(s) were applied: Absent from controls (or at extremely low frequency if recessive) in Exome Sequencing Project, 1000 Genomes Project, or Exome Aggregation Consortium (PM2); Cosegregation with disease in multiple affected family members in a gene definitively known to cause the disease (PP1); Multiple lines of computational evidence support a deleterious effect on the gene or gene product (PP3); For recessive disorders, detected in trans with a pathogenic variant (PM3).

Athena Diagnostics
Classification: Pathogenic. Last evaluated: 2020-12-31. Review status: criteria provided, single submitter. Criteria: Athena Diagnostics Criteria. Collection method: clinical testing. Allele origin: unknown.
Comment: This variant segregates with disease in multiple families (PMID 28733338). The frequency of this variant in the general population is consistent with being disease causing. Computational tools yielded predictions that this amino acid change may be damaging to the protein.This observation is not an independent occurrence and has been identified in the same individual by RCIGM, the other laboratory participating in the GEMINI study.

OMIM
Classification: Pathogenic for MYOPATHY, EPILEPSY, AND PROGRESSIVE CEREBRAL ATROPHY. Last evaluated: 2020-10-05. Review status: no assertion criteria provided. Collection method: literature only. Allele origin: germline. Not counted in ClinVar's aggregate classification.

Literature cited by the submitters: PubMed 28733338 (cited by 4 submitters); PubMed 36200043 (cited by Dasa); DOI 10.1186/s13073-024-01353-0 (cited by Muscle and Diseases Team, Institut de Génétique et Biologie Moléculaire et Cellulaire).

NM_144988.4(ALG14):c.220G>A (p.Asp74Asn)

Genes: ALG14 (ALG14 UDP-N-acetylglucosaminyltransferase subunit; minus strand), ALG14-AS1 (ALG14 antisense RNA 1; plus strand). Cytogenetic location: 1p21.3.
Variant type: single nucleotide variant.
Coding change: c.220G>A on transcript NM_144988.4 (MANE Select); coding-DNA position 220, G replaced by A.
Protein change: p.Asp74Asn; replaces aspartic acid 74 with asparagine.
Molecular consequence: missense variant.
Genome position (GRCh38, 1-based): chr1:95,064,934, C>T on the plus strand (G>A on the coding strand, the complement: ALG14 is on the minus strand). VCF-style: chr1-95064934-C-T. GRCh37 (hg19) VCF-style: chr1-95530490-C-T.
Other names: ALG14, ASP74ASN (rs769114543); c.220G>A, p.Asp74Asn (NM_001305242.2); short protein forms D74N.
Identifiers: ClinVar variation 389968 (VCV000389968.22), dbSNP rs769114543, ClinGen allele CA961846.